The following is an entry in ClinVar:

ClinVar aggregate classification (germline): Uncertain significance. Review status: criteria provided, multiple submitters, no conflicts (2 of 4 stars). 2 submissions from 2 submitters: Uncertain significance (2). Last evaluated 2025-06-12.

Conditions:
Cardiovascular phenotype. Identifiers: MedGen CN230736.
Amyloidosis, hereditary systemic 1 (AMYLD1). Also called: Familial amyloid polyneuropathy; Transthyretin Amyloidosis; Hereditary Transthyretin Amyloidosis; Isolated Cardiac Amyloidosis; Amyloid Cardiomyopathy, Transthyretin-related; AMYLOID CARDIOMYOPATHY. Identifiers: Orphanet 85447, Orphanet 85451, MedGen C2751492, MONDO:0971004, OMIM 105210.

Allele frequency attached by ClinVar (database versions not stated): gnomAD 0.00001.
gnomAD v4.1: 1 of 1,614,052 alleles (0.000062%); highest among the groups gnomAD compares: African/African-American, 0.0013%; no homozygotes.

Submissions (2):

Labcorp Genetics (formerly Invitae), Labcorp
Classification: Uncertain significance for Amyloidosis, hereditary systemic 1. Last evaluated: 2025-06-12. Review status: criteria provided, single submitter. Criteria: Invitae Variant Classification Sherloc (09022015). Collection method: clinical testing. Allele origin: germline.
Comment: This sequence change falls in intron 3 of the TTR gene. It does not directly change the encoded amino acid sequence of the TTR protein. It affects a nucleotide within the consensus splice site. This variant is not present in population databases (gnomAD no frequency). This variant has not been reported in the literature in individuals affected with TTR-related conditions. ClinVar contains an entry for this variant (Variation ID: 1046515). Variants that disrupt the consensus splice site are a relatively common cause of aberrant splicing (PMID: 17576681, 9536098). Algorithms developed to predict the effect of sequence changes on RNA splicing suggest that this variant is not likely to affect RNA splicing. In summary, the available evidence is currently insufficient to determine the role of this variant in disease. Therefore, it has been classified as a Variant of Uncertain Significance.

Ambry Genetics
Classification: Uncertain significance for Cardiovascular phenotype. Last evaluated: 2022-10-31. Review status: criteria provided, single submitter. Criteria: Ambry Variant Classification Scheme 2023. Collection method: clinical testing. Allele origin: germline.
Comment: The c.336+5G>A intronic variant results from a G to A substitution 5 nucleotides after coding exon 3 in the TTR gene. This nucleotide position is highly conserved in available vertebrate species. In silico splice site analysis predicts that this alteration will not have any significant effect on splicing. Since supporting evidence is limited at this time, the clinical significance of this alteration remains unclear.

Literature cited by the submitters: PubMed 17576681 (cited by Labcorp Genetics (formerly Invitae), Labcorp); PubMed 9536098 (cited by Labcorp Genetics (formerly Invitae), Labcorp).

NM_000371.4(TTR):c.336+5G>A

Gene: TTR (transthyretin; plus strand). Cytogenetic location: 18q12.1.
Variant type: single nucleotide variant.
Coding change: c.336+5G>A on transcript NM_000371.4 (MANE Select); 5 bases into the intron after coding-DNA position 336, G replaced by A.
Molecular consequence: intron variant.
Genome position (GRCh38, 1-based): chr18:31,595,260, G>A. VCF-style: chr18-31595260-G-A. GRCh37 (hg19) VCF-style: chr18-29175223-G-A.
Identifiers: ClinVar variation 1046515 (VCV001046515.9), dbSNP rs2073511528, ClinGen allele CA402157178.